The following is an entry in ClinVar:

NM_000455.5(STK11):c.291-5C>T

Gene: STK11 (serine/threonine kinase 11; plus strand). Cytogenetic location: 19p13.3.
Variant type: single nucleotide variant.
Coding change: c.291-5C>T on transcript NM_000455.5 (MANE Select); 5 bases into the intron before coding-DNA position 291, C replaced by T.
Molecular consequence: intron variant.
Genome position (GRCh38, 1-based): chr19:1,218,412, C>T. VCF-style: chr19-1218412-C-T. GRCh37 (hg19) VCF-style: chr19-1218411-C-T.
Identifiers: ClinVar variation 1659776 (VCV001659776.9), dbSNP rs2145420492, ClinGen allele CA2573155845.
Genomic context (GRCh38, chr19:1,218,412, plus strand): 5'-CCAGGGATCCAGGCCATCATCCTGACGTTGGGTCGGCTGATACACCCCTGTCCTCTCTGT[C>T]CCAGGGAAATTCAACTACTGAGGAGGTTACGGCACAAAAATGTCATCCAGCTGGTGGATG-3'

ClinVar aggregate classification (germline): Likely benign. Review status: criteria provided, multiple submitters, no conflicts (2 of 4 stars). 2 submissions from 2 submitters: Likely benign (2). Last evaluated 2025-03-25.

Conditions:
Peutz-Jeghers syndrome (PJS). Also called: POLYPOSIS, HAMARTOMATOUS INTESTINAL; POLYPS-AND-SPOTS SYNDROME; Peutz-Jeghers polyposis; Periorificial lentiginosis syndrome. Identifiers: Orphanet 2869, MedGen C0031269, MeSH D010580, MONDO:0008280, OMIM 175200.

Submissions (2):

Myriad Genetics, Inc.
Classification: Likely benign for Peutz-Jeghers syndrome. Last evaluated: 2025-03-25. Review status: criteria provided, single submitter. Criteria: Myriad Autosomal Dominant, Autosomal Recessive and X-Linked Classification Criteria (2023). Collection method: clinical testing. Allele origin: unknown.
Comment: This variant is considered likely benign. This variant is intronic and is not expected to impact mRNA splicing.

Labcorp Genetics (formerly Invitae), Labcorp
Classification: Likely benign for Peutz-Jeghers syndrome. Last evaluated: 2021-05-18. Review status: criteria provided, single submitter. Criteria: Invitae Variant Classification Sherloc (09022015). Collection method: clinical testing. Allele origin: germline.